The following is an entry in ClinVar:

NM_002471.4(MYH6):c.2247C>G (p.Ser749Arg)

Gene: MYH6 (myosin heavy chain 6; minus strand). Cytogenetic location: 14q11.2.
Variant type: single nucleotide variant.
Coding change: c.2247C>G on transcript NM_002471.4 (MANE Select); coding-DNA position 2247, C replaced by G.
Protein change: p.Ser749Arg; replaces serine 749 with arginine.
Molecular consequence: missense variant.
Genome position (GRCh38, 1-based): chr14:23,396,739, G>C on the plus strand (C>G on the coding strand, the complement: MYH6 is on the minus strand). VCF-style: chr14-23396739-G-C. GRCh37 (hg19) VCF-style: chr14-23865948-G-C.
Other names: short protein forms S749R.
Identifiers: ClinVar variation 1788357 (VCV001788357.2), dbSNP rs2502178698, ClinGen allele CA389016887.

ClinVar aggregate classification (germline): Uncertain significance (1 of 4 stars; one submission).

Conditions:
Cardiovascular phenotype. Identifiers: MedGen CN230736.

gnomAD v4.1: 1 of 1,614,016 alleles (0.000062%); highest among the groups gnomAD compares: South Asian, 0.0011%; no homozygotes.

Submission:

Ambry Genetics
Classification: Uncertain significance for Cardiovascular phenotype. Last evaluated: 2021-12-07. Review status: criteria provided, single submitter. Criteria: Ambry Variant Classification Scheme 2023. Collection method: clinical testing. Allele origin: germline.
Comment: The p.S749R variant (also known as c.2247C>G), located in coding exon 17 of the MYH6 gene, results from a C to G substitution at nucleotide position 2247. The serine at codon 749 is replaced by arginine, an amino acid with dissimilar properties. This amino acid position is conserved. In addition, this alteration is predicted to be tolerated by in silico analysis. Since supporting evidence is limited at this time, the clinical significance of this alteration remains unclear.